The following is an entry in ClinVar:

NM_001367624.2(ZNF469):c.192G>C (p.Gln64His)

Gene: ZNF469 (zinc finger protein 469; plus strand). Cytogenetic location: 16q24.2.
Variant type: single nucleotide variant.
Coding change: c.192G>C on transcript NM_001367624.2 (MANE Select); coding-DNA position 192, G replaced by C.
Protein change: p.Gln64His; replaces glutamine 64 with histidine.
Molecular consequence: missense variant.
Genome position (GRCh38, 1-based): chr16:88,427,662, G>C. VCF-style: chr16-88427662-G-C. GRCh37 (hg19) VCF-style: chr16-88494070-G-C.
Other names: NM_001127464.1:c.192G>C; short protein forms Q64H.
Identifiers: ClinVar variation 2446281 (VCV002446281.3), dbSNP rs1905779723, ClinGen allele CA397058589.

ClinVar aggregate classification (germline): Uncertain significance. Review status: criteria provided, multiple submitters, no conflicts (2 of 4 stars). 2 submissions from 2 submitters: Uncertain significance (2). Last evaluated 2025-02-09.

Conditions:
Cardiovascular phenotype. Identifiers: MedGen CN230736.

Allele frequency attached by ClinVar (database versions not stated): gnomAD exomes below 0.00001.
gnomAD v4.1: 4 of 1,536,202 alleles (0.00026%); highest among the groups gnomAD compares: Middle Eastern, 0.017%; no homozygotes.

Submissions (2):

Ambry Genetics
Classification: Uncertain significance for Cardiovascular phenotype. Last evaluated: 2025-02-09. Review status: criteria provided, single submitter. Criteria: Ambry Variant Classification Scheme 2023. Collection method: clinical testing. Allele origin: germline.

GeneDx
Classification: Uncertain significance. Last evaluated: 2024-03-01. Review status: criteria provided, single submitter. Criteria: GeneDx Variant Classification Process June 2021. Collection method: clinical testing. Allele origin: germline.
Comment: Has not been previously published as pathogenic or benign to our knowledge; Not observed at significant frequency in large population cohorts (gnomAD); In silico analysis supports that this missense variant does not alter protein structure/function